The following is an entry in ClinVar:

NM_001394062.1(MACF1):c.21627C>T (p.Pro7209=)

Gene: MACF1 (microtubule actin crosslinking factor 1; plus strand). Cytogenetic location: 1p34.3.
Variant type: single nucleotide variant.
Coding change: c.21627C>T on transcript NM_001394062.1 (MANE Select); coding-DNA position 21627, C replaced by T.
Protein change: p.Pro7209=; no amino-acid change (proline 7209 retained).
Molecular consequence: synonymous variant.
Genome position (GRCh38, 1-based): chr1:39,461,986, C>T. VCF-style: chr1-39461986-C-T. GRCh37 (hg19) VCF-style: chr1-39927658-C-T.
Other names: c.9705C>T, p.Pro3235= (NM_001397473.1); c.15450C>T, p.Pro5150= (NM_012090.5).
Identifiers: ClinVar variation 3029056 (VCV003029056.2), dbSNP rs2523339739, ClinGen allele CA417286251.

ClinVar aggregate classification (germline): Likely benign (0 of 4 stars; one submission).

Conditions:
MACF1-related disorder. Also called: MACF1-related condition.

Allele frequency attached by ClinVar (database versions not stated): gnomAD exomes below 0.00001.
gnomAD v4.1: 1 of 1,613,846 alleles (0.000062%); highest among the groups gnomAD compares: Non-Finnish European, 0.000085%; no homozygotes.

Submission:

PreventionGenetics, part of Exact Sciences
Classification: Likely benign for MACF1-related condition. Last evaluated: 2021-05-24. Review status: no assertion criteria provided. Collection method: clinical testing. Allele origin: germline.
Comment: This variant is classified as likely benign based on ACMG/AMP sequence variant interpretation guidelines (Richards et al. 2015 PMID: 25741868, with internal and published modifications).